The following is an entry in ClinVar:

NM_003106.4(SOX2):c.35C>G (p.Pro12Arg)

Genes: SOX2 (SRY-box transcription factor 2; plus strand), SOX2-OT (SOX2 overlapping transcript; plus strand), LOC108281177 (SOX2 5' regulatory region; plus strand). Cytogenetic location: 3q26.33.
Variant type: single nucleotide variant.
Coding change: c.35C>G on transcript NM_003106.4 (MANE Select); coding-DNA position 35, C replaced by G.
Protein change: p.Pro12Arg; replaces proline 12 with arginine.
Molecular consequence: missense variant.
Genome position (GRCh38, 1-based): chr3:181,712,395, C>G. VCF-style: chr3-181712395-C-G. GRCh37 (hg19) VCF-style: chr3-181430183-C-G.
Other names: short protein forms P12R.
Identifiers: ClinVar variation 5006593 (VCV005006593.2).

ClinVar aggregate classification (germline): Uncertain significance (1 of 4 stars; one submission).

Conditions:
Anophthalmia/microphthalmia-esophageal atresia syndrome (MCOPS3). Also called: SOX2 Disorder; AEG SYNDROME; MICROPHTHALMIA AND ESOPHAGEAL ATRESIA SYNDROME. Identifiers: Orphanet 77298, MedGen C1859773, MONDO:0008799, OMIM 206900.

gnomAD v4.1: 1 of 1,575,494 alleles (0.000063%); highest among the groups gnomAD compares: Admixed American, 0.0019%; no homozygotes.

Submission:

Juno Genomics, Hangzhou Juno Genomics, Inc
Classification: Uncertain significance for Anophthalmia/microphthalmia-esophageal atresia syndrome. Review status: criteria provided, single submitter. Criteria: ACMG Guidelines, 2015. Collection method: clinical testing. Allele origin: germline.
Comment: Absent from controls (or at extremely low frequency if recessive) in Genome Aggregation Database.;Multiple lines of computational evidence support a deleterious effect on the gene or gene product.